The following is an entry in ClinVar:

NM_007186.6(CEP250):c.5969T>A (p.Leu1990Ter)

Gene: CEP250 (centrosomal protein 250; plus strand). Cytogenetic location: 20q11.22.
Variant type: single nucleotide variant.
Coding change: c.5969T>A on transcript NM_007186.6 (MANE Select); coding-DNA position 5969, T replaced by A.
Protein change: p.Leu1990Ter; replaces leucine 1990 with a stop codon.
Molecular consequence: nonsense.
Genome position (GRCh38, 1-based): chr20:35,504,338, T>A. VCF-style: chr20-35504338-T-A. GRCh37 (hg19) VCF-style: chr20-34092166-T-A.
Other names: c.4073T>A, p.Leu1358Ter (NM_001318219.1); short protein forms L1990*, L1358*.
Identifiers: ClinVar variation 2010972 (VCV002010972.4), dbSNP rs2516279954, ClinGen allele CA408755401.

ClinVar aggregate classification (germline): Pathogenic (1 of 4 stars; one submission).

Submission:

Labcorp Genetics (formerly Invitae), Labcorp
Classification: Pathogenic. Last evaluated: 2022-06-26. Review status: criteria provided, single submitter. Criteria: Invitae Variant Classification Sherloc (09022015). Collection method: clinical testing. Allele origin: germline.
Comment: This sequence change creates a premature translational stop signal (p.Leu1990*) in the CEP250 gene. It is expected to result in an absent or disrupted protein product. Loss-of-function variants in CEP250 are known to be pathogenic (PMID: 24780881, 29718797). This variant is not present in population databases (gnomAD no frequency). This variant has not been reported in the literature in individuals affected with CEP250-related conditions. For these reasons, this variant has been classified as Pathogenic.

Literature cited by the submitters: PubMed 24780881; PubMed 29718797.